The following is an entry in ClinVar:

NM_001042492.3(NF1):c.6538del (p.Ser2180fs)

Gene: NF1 (neurofibromin 1; plus strand). Cytogenetic location: 17q11.2.
Variant type: Deletion.
Coding change: c.6538del on transcript NM_001042492.3 (MANE Select); coding-DNA position 6538, one base deleted (T; older notation c.6538delT).
Protein change: p.Ser2180fs; shifts the reading frame from serine 2180.
Molecular consequence: frameshift variant.
Genome position (GRCh38, 1-based): chr17:31,337,478, T deleted; the last of 2 consecutive T bases (chr17:31,337,477-31,337,478); deleting either gives the same sequence. VCF-style (leftmost placement, unchanged base first): chr17-31337476-GT-G. GRCh37 (hg19) VCF-style: chr17-29664494-GT-G.
Other names: c.6475delT (NM_000267.3); c.6475delT, p.Ser2159Profs (NM_000267.4); short protein forms S2159fs, S2180fs.
Identifiers: ClinVar variation 649128 (VCV000649128.5), dbSNP rs1597843836, ClinGen allele CA915949940.

ClinVar aggregate classification (germline): Pathogenic (1 of 4 stars; one submission).

Conditions:
Neurofibromatosis, type 1 (NF1). Also called: VON RECKLINGHAUSEN DISEASE; Neurofibromatosis, type I; NEUROFIBROMATOSIS, TYPE I, SOMATIC; Peripheral type neurofibromatosis. Identifiers: Orphanet 636, MedGen C0027831, MONDO:0018975, OMIM 162200. Disease mechanism: loss of function.

Submission:

Labcorp Genetics (formerly Invitae), Labcorp
Classification: Pathogenic for Neurofibromatosis, type 1. Last evaluated: 2020-08-22. Review status: criteria provided, single submitter. Criteria: Invitae Variant Classification Sherloc (09022015). Collection method: clinical testing. Allele origin: germline.
Comment: For these reasons, this variant has been classified as Pathogenic. Loss-of-function variants in NF1 are known to be pathogenic (PMID: 10712197, 23913538). This variant has not been reported in the literature in individuals with NF1-related disease. ClinVar contains an entry for this variant (Variation ID: 649128). This variant is not present in population databases (ExAC no frequency). This sequence change creates a premature translational stop signal (p.Ser2159Profs*20) in the NF1 gene. It is expected to result in an absent or disrupted protein product.

Literature cited by the submitters: PubMed 10712197; PubMed 23913538.